The following is an entry in ClinVar:

ClinVar aggregate classification (germline): Benign (0 of 4 stars; one submission).

Conditions:
POU1F1-related disorder. Also called: POU1F1-related condition.

Allele frequency attached by ClinVar (database versions not stated): TOPMed 0.22912; gnomAD 0.23445; 1000 Genomes Project 30x 0.25172; 1000 Genomes Project 0.25819.

Submission:

PreventionGenetics, part of Exact Sciences
Classification: Benign for POU1F1-related condition. Last evaluated: 2022-03-28. Review status: no assertion criteria provided. Collection method: clinical testing. Allele origin: germline.
Comment: This variant is classified as benign based on ACMG/AMP sequence variant interpretation guidelines (Richards et al. 2015 PMID: 25741868, with internal and published modifications).

NC_000003.12:g.87310487C>T

Gene: POU1F1 (POU class 1 homeobox 1; minus strand). Cytogenetic location: 3p11.2.
Variant type: single nucleotide variant.
Genome position: GRCh38 VCF-style: chr3-87310487-C-T. GRCh37 (hg19) VCF-style: chr3-87359637-C-T.
Identifiers: ClinVar variation 3047423 (VCV003047423.2), dbSNP rs56322851, ClinGen allele CA11412830.
Genomic context (GRCh38, chr3:87,310,487, plus strand): 5'-GAGGTGGGAGGATCACAAGGTCAGGAGTTCAAGACCAGCCTGGTCAATATGGTGAAACCA[C>T]GTGTCTACTAAAAATACAAAAATTAGCTGGGCGCGGTGGCATGTACCTGTAGTCCCAGCT-3'